The following is an entry in ClinVar:

NM_001267550.2(TTN):c.54643C>T (p.Arg18215Cys)

Genes: TTN (titin; minus strand), TTN-AS1 (TTN antisense RNA 1; plus strand). Cytogenetic location: 2q31.2.
Variant type: single nucleotide variant.
Coding change: c.54643C>T on transcript NM_001267550.2 (MANE Select); coding-DNA position 54643, C replaced by T.
Protein change: p.Arg18215Cys; replaces arginine 18215 with cysteine.
Molecular consequence: missense variant.
Genome position (GRCh38, 1-based): chr2:178,604,044, G>A on the plus strand (C>T on the coding strand, the complement: TTN is on the minus strand). VCF-style: chr2-178604044-G-A. GRCh37 (hg19) VCF-style: chr2-179468771-G-A.
Other names: p.Arg15647Cys; p.Arg16574Cys; c.49720C>T, p.Arg16574Cys (NM_001256850.1); c.27448C>T, p.Arg9150Cys (NM_003319.4); c.46939C>T, p.Arg15647Cys (NM_133378.4); c.27823C>T, p.Arg9275Cys (NM_133432.3); c.28024C>T, p.Arg9342Cys (NM_133437.4); short protein forms R15647C, R16574C, R18215C, R9150C, R9275C, R9342C.
Identifiers: ClinVar variation 2682774 (VCV002682774.3), dbSNP rs187167219, ClinGen allele CA1993600.

ClinVar aggregate classification (germline): Uncertain significance. Review status: criteria provided, multiple submitters, no conflicts (2 of 4 stars). 2 submissions from 2 submitters: Uncertain significance (2). Last evaluated 2025-12-28.

Conditions:
TTN-related disorder. Also called: TTN-related disorders; TTN-related condition; TTN-related disease.

Allele frequency attached by ClinVar (database versions not stated): TOPMed 0.00008 and 0.00003; 1000 Genomes Project 0.00020; 1000 Genomes Project 30x 0.00031; gnomAD 0.00001; gnomAD exomes 0.00002 and 0.00006; ExAC 0.00007.
gnomAD v4.1: 33 of 1,612,842 alleles (0.002%); highest among the groups gnomAD compares: East Asian, 0.049%; no homozygotes.

Submissions (2):

PreventionGenetics, part of Exact Sciences
Classification: Uncertain significance for TTN-related condition. Last evaluated: 2025-12-28. Review status: criteria provided, single submitter. Criteria: ACMG Guidelines, 2015. Collection method: clinical testing. Allele origin: germline.
Comment: The TTN c.54643C>T variant is predicted to result in the amino acid substitution p.Arg18215Cys. To our knowledge, this variant has not been reported in the literature. This variant is reported in 0.072% of alleles in individuals of East Asian descent in gnomAD. At this time, the clinical significance of this variant is uncertain due to the absence of conclusive functional and genetic evidence.

Mayo Clinic Laboratories, Mayo Clinic
Classification: Uncertain significance. Last evaluated: 2025-10-16. Review status: criteria provided, single submitter. Criteria: ACMG Guidelines, 2015. Collection method: clinical testing. Allele origin: germline. Observed: 2 variant alleles.
Comment: BS1